The following is an entry in ClinVar:

ClinVar aggregate classification (germline): Uncertain significance (1 of 4 stars; one submission).

Allele frequency attached by ClinVar (database versions not stated): gnomAD exomes below 0.00001.

Submission:

Labcorp Genetics (formerly Invitae), Labcorp
Classification: Uncertain significance. Last evaluated: 2025-12-09. Review status: criteria provided, single submitter. Criteria: Invitae Variant Classification Sherloc (09022015). Collection method: clinical testing. Allele origin: germline.
Comment: This sequence change replaces valine, which is neutral and non-polar, with methionine, which is neutral and non-polar, at codon 986 of the DCHS1 protein (p.Val986Met). This variant is present in population databases (no rsID available, gnomAD 0.008%). This variant has not been reported in the literature in individuals affected with DCHS1-related conditions. ClinVar contains an entry for this variant (Variation ID: 2877822). Invitae Evidence Modeling of protein sequence and biophysical properties (such as structural, functional, and spatial information, amino acid conservation, physicochemical variation, residue mobility, and thermodynamic stability) indicates that this missense variant is not expected to disrupt DCHS1 protein function with a negative predictive value of 80%. In summary, the available evidence is currently insufficient to determine the role of this variant in disease. Therefore, it has been classified as a Variant of Uncertain Significance.

NM_003737.4(DCHS1):c.2956G>A (p.Val986Met)

Gene: DCHS1 (dachsous cadherin-related 1; minus strand). Cytogenetic location: 11p15.4.
Variant type: single nucleotide variant.
Coding change: c.2956G>A on transcript NM_003737.4 (MANE Select); coding-DNA position 2956, G replaced by A.
Protein change: p.Val986Met; replaces valine 986 with methionine.
Molecular consequence: missense variant.
Genome position (GRCh38, 1-based): chr11:6,632,556, C>T on the plus strand (G>A on the coding strand, the complement: DCHS1 is on the minus strand). VCF-style: chr11-6632556-C-T. GRCh37 (hg19) VCF-style: chr11-6653787-C-T.
Other names: short protein forms V986M.
Identifiers: ClinVar variation 2877822 (VCV002877822.3), dbSNP rs1158566040, ClinGen allele CA379418053.
Genomic context (GRCh38, chr11:6,632,556, plus strand): 5'-GGTAGGTAGGGCTGTTGAATCGGGGAGCCAGCCCACGGGTTCCCACATCCTGTACCACCA[C>T]CCGTAGTCGAAAGTGGCTGGTGCGTGGTGGGGAGCCCCCATCCCGGGCCTCCAGCTCCAG-3'
Protein context (NP_003728.1, residues 976-996): PPRTSHFRLR[Val986Met]VVQDVGTRGL